The following is an entry in ClinVar:

ClinVar aggregate classification (germline): Uncertain significance (1 of 4 stars; one submission).

Conditions:
Multiple gastrointestinal atresias. Also called: FAMILIAL INTESTINAL POLYATRESIA SYNDROME; Multiple intestinal atresia. Identifiers: Orphanet 2300, MedGen C0220744, MONDO:0009465.

Allele frequency attached by ClinVar (database versions not stated): gnomAD exomes below 0.00001 and 0.00001; TOPMed below 0.00001; gnomAD 0.00001.
gnomAD v4.1: 3 of 1,613,892 alleles (0.00019%); highest among the groups gnomAD compares: Admixed American, 0.0017%; no homozygotes.

Submission:

Labcorp Genetics (formerly Invitae), Labcorp
Classification: Uncertain significance for Multiple gastrointestinal atresias. Last evaluated: 2022-08-10. Review status: criteria provided, single submitter. Criteria: Invitae Variant Classification Sherloc (09022015). Collection method: clinical testing. Allele origin: germline.
Comment: This sequence change replaces leucine, which is neutral and non-polar, with phenylalanine, which is neutral and non-polar, at codon 329 of the TTC7A protein (p.Leu329Phe). In summary, the available evidence is currently insufficient to determine the role of this variant in disease. Therefore, it has been classified as a Variant of Uncertain Significance. Algorithms developed to predict the effect of missense changes on protein structure and function are either unavailable or do not agree on the potential impact of this missense change (SIFT: "Tolerated"; PolyPhen-2: "Possibly Damaging"; Align-GVGD: "Class C0"). ClinVar contains an entry for this variant (Variation ID: 856087). This variant has not been reported in the literature in individuals affected with TTC7A-related conditions. This variant is present in population databases (no rsID available, gnomAD 0.0009%).

NM_020458.4(TTC7A):c.985C>T (p.Leu329Phe)

Gene: TTC7A (tetratricopeptide repeat domain 7A; plus strand). Cytogenetic location: 2p21.
Variant type: single nucleotide variant.
Coding change: c.985C>T on transcript NM_020458.4 (MANE Select); coding-DNA position 985, C replaced by T.
Protein change: p.Leu329Phe; replaces leucine 329 with phenylalanine.
Molecular consequence: missense variant. On other transcripts: intron variant (1).
Genome position (GRCh38, 1-based): chr2:46,994,498, C>T. VCF-style: chr2-46994498-C-T. GRCh37 (hg19) VCF-style: chr2-47221637-C-T.
Other names: c.985C>T, p.Leu329Phe (NM_001288951.2); c.883C>T, p.Leu295Phe (NM_001288953.2); c.-61-638C>T (NM_001288955.2); short protein forms L329F, L295F.
Identifiers: ClinVar variation 856087 (VCV000856087.10), dbSNP rs1191771886, ClinGen allele CA346713593.